The following is an entry in ClinVar:

NM_002292.4(LAMB2):c.3708G>T (p.Glu1236Asp)

Gene: LAMB2 (laminin subunit beta 2; minus strand). Cytogenetic location: 3p21.31.
Variant type: single nucleotide variant.
Coding change: c.3708G>T on transcript NM_002292.4 (MANE Select); coding-DNA position 3708, G replaced by T.
Protein change: p.Glu1236Asp; replaces glutamic acid 1236 with aspartic acid.
Molecular consequence: missense variant.
Genome position (GRCh38, 1-based): chr3:49,123,817, C>A on the plus strand (G>T on the coding strand, the complement: LAMB2 is on the minus strand). VCF-style: chr3-49123817-C-A. GRCh37 (hg19) VCF-style: chr3-49161250-C-A.
Other names: short protein forms E1236D.
Identifiers: ClinVar variation 1378248 (VCV001378248.5), dbSNP rs753707094, ClinGen allele CA2393981.

ClinVar aggregate classification (germline): Uncertain significance. Review status: criteria provided, multiple submitters, no conflicts (2 of 4 stars). 2 submissions from 2 submitters: Uncertain significance (2). Last evaluated 2025-06-18.

Conditions:
LAMB2-related infantile-onset nephrotic syndrome. Also called: Nephrotic Syndrome, type 5; NEPHROTIC SYNDROME, TYPE 5, WITHOUT OCULAR ABNORMALITIES; NEPHROTIC SYNDROME, TYPE 5, WITH OCULAR ABNORMALITIES. Identifiers: Orphanet 306507, MedGen C3280113, MONDO:0013621, OMIM 614199.
Pierson syndrome. Also called: MICROCORIA-CONGENITAL NEPHROTIC SYNDROME. Identifiers: Orphanet 2670, MedGen C1836876, MONDO:0012184, OMIM 609049.

Allele frequency attached by ClinVar (database versions not stated): gnomAD exomes below 0.00001 and 0.00001; gnomAD 0.00001; ExAC 0.00002; TOPMed 0.00005.

Submissions (2):

Labcorp Genetics (formerly Invitae), Labcorp
Classification: Uncertain significance for LAMB2-related infantile-onset nephrotic syndrome; Pierson syndrome. Last evaluated: 2025-06-18. Review status: criteria provided, single submitter. Criteria: Invitae Variant Classification Sherloc (09022015). Collection method: clinical testing. Allele origin: germline.
Comment: This sequence change replaces glutamic acid, which is acidic and polar, with aspartic acid, which is acidic and polar, at codon 1236 of the LAMB2 protein (p.Glu1236Asp). This variant is present in population databases (rs753707094, gnomAD 0.02%). This variant has not been reported in the literature in individuals affected with LAMB2-related conditions. ClinVar contains an entry for this variant (Variation ID: 1378248). An algorithm developed to predict the effect of missense changes on protein structure and function (PolyPhen-2) suggests that this variant is likely to be tolerated. In summary, the available evidence is currently insufficient to determine the role of this variant in disease. Therefore, it has been classified as a Variant of Uncertain Significance.

Fulgent Genetics
Classification: Uncertain significance for Pierson syndrome; LAMB2-related infantile-onset nephrotic syndrome. Last evaluated: 2024-04-23. Review status: criteria provided, single submitter. Criteria: ACMG Guidelines, 2015. Collection method: clinical testing. Allele origin: germline.